The following is an entry in ClinVar:

ClinVar aggregate classification (germline): Uncertain significance (1 of 4 stars; one submission).

Conditions:
Xanthinuria type II. Also called: Xanthine dehydrogenase and aldehyde oxidase combined deficiency of; XDH and AOX dual deficiency. Identifiers: Orphanet 3467, Orphanet 93602, MedGen C1863688, MONDO:0011346, OMIM 603592.

Allele frequency attached by ClinVar (database versions not stated): TOPMed 0.00002; gnomAD 0.00003.
gnomAD v4.1: 5 of 1,250,966 alleles (0.0004%); highest among the groups gnomAD compares: African/African-American, 0.0015%; no homozygotes.

Submission:

Labcorp Genetics (formerly Invitae), Labcorp
Classification: Uncertain significance for Xanthinuria type II. Last evaluated: 2024-10-29. Review status: criteria provided, single submitter. Criteria: Invitae Variant Classification Sherloc (09022015). Collection method: clinical testing. Allele origin: germline.
Comment: This sequence change replaces tyrosine, which is neutral and polar, with cysteine, which is neutral and slightly polar, at codon 30 of the MOCOS protein (p.Tyr30Cys). This variant is not present in population databases (gnomAD no frequency). This variant has not been reported in the literature in individuals affected with MOCOS-related conditions. ClinVar contains an entry for this variant (Variation ID: 2189828). An algorithm developed to predict the effect of missense changes on protein structure and function (PolyPhen-2) suggests that this variant is likely to be disruptive. In summary, the available evidence is currently insufficient to determine the role of this variant in disease. Therefore, it has been classified as a Variant of Uncertain Significance.

NM_017947.4(MOCOS):c.89A>G (p.Tyr30Cys)

Gene: MOCOS (molybdenum cofactor sulfurase; plus strand). Cytogenetic location: 18q12.2.
Variant type: single nucleotide variant.
Coding change: c.89A>G on transcript NM_017947.4 (MANE Select); coding-DNA position 89, A replaced by G.
Protein change: p.Tyr30Cys; replaces tyrosine 30 with cysteine.
Molecular consequence: missense variant.
Genome position (GRCh38, 1-based): chr18:36,187,628, A>G. VCF-style: chr18-36187628-A-G. GRCh37 (hg19) VCF-style: chr18-33767591-A-G.
Other names: short protein forms Y30C.
Identifiers: ClinVar variation 2189828 (VCV002189828.3), dbSNP rs955193969, ClinGen allele CA298708881.
Genomic context (GRCh38, chr18:36,187,628, plus strand): 5'-GGGAGCTGTGGACCTTCGCGGGTTCCCGGGACCCGAGCGCACCGCGGCTAGCCTACGGCT[A>G]CGGCCCGGGCAGCCTGCGCGAGCTGCGGGCGCGCGAGTTCAGCCGCCTGGCAGGTGAGGC-3'
Protein context (NP_060417.4, residues 20-40): DPSAPRLAYG[Tyr30Cys]GPGSLRELRA